The following is an entry in ClinVar:

NM_052947.4(ALPK2):c.3304C>A (p.Gln1102Lys)

Gene: ALPK2 (alpha kinase 2; minus strand). Cytogenetic location: 18q21.31.
Variant type: single nucleotide variant.
Coding change: c.3304C>A on transcript NM_052947.4 (MANE Select); coding-DNA position 3304, C replaced by A.
Protein change: p.Gln1102Lys; replaces glutamine 1102 with lysine.
Molecular consequence: missense variant.
Genome position (GRCh38, 1-based): chr18:58,536,883, G>T on the plus strand (C>A on the coding strand, the complement: ALPK2 is on the minus strand). VCF-style: chr18-58536883-G-T. GRCh37 (hg19) VCF-style: chr18-56204115-G-T.
Other names: short protein forms Q1102K.
Identifiers: ClinVar variation 2561812 (VCV002561812.2), dbSNP rs1164582327, ClinGen allele CA402568670.

ClinVar aggregate classification (germline): Uncertain significance (1 of 4 stars; one submission).

Submission:

Ambry Genetics
Classification: Uncertain significance. Last evaluated: 2023-05-18. Review status: criteria provided, single submitter. Criteria: Ambry Variant Classification Scheme 2023. Collection method: clinical testing. Allele origin: germline.
Comment: The p.Q1102K variant (also known as c.3304C>A), located in coding exon 4 of the ALPK2 gene, results from a C to A substitution at nucleotide position 3304. The glutamine at codon 1102 is replaced by lysine, an amino acid with similar properties. This amino acid position is conserved. In addition, this alteration is predicted to be tolerated by in silico analysis. Since supporting evidence is limited at this time, the clinical significance of this alteration remains unclear.